The following is an entry in ClinVar:

NM_000535.7(PMS2):c.*8C>T

Gene: PMS2 (PMS1 homolog 2, mismatch repair system component; minus strand). Cytogenetic location: 7p22.1.
Variant type: single nucleotide variant.
Coding change: c.*8C>T on transcript NM_000535.7 (MANE Select); 8 bases downstream of the stop codon, C replaced by T.
Molecular consequence: 3 prime UTR variant. On other transcripts: non-coding transcript variant (1).
Genome position (GRCh38, 1-based): chr7:5,973,391, G>A on the plus strand (C>T on the coding strand, the complement: PMS2 is on the minus strand). VCF-style: chr7-5973391-G-A. GRCh37 (hg19) VCF-style: chr7-6013022-G-A.
Other names: c.*8C>T (NM_001018040.1, NM_001322003.2, NM_001322004.2 and 57 more transcripts).
Identifiers: ClinVar variation 2575463 (VCV002575463.3), dbSNP rs1292234182, ClinGen allele CA572543159.

ClinVar aggregate classification (germline): Benign/Likely benign. Review status: criteria provided, multiple submitters, no conflicts (2 of 4 stars). 2 submissions from 2 submitters: Benign (1); Likely benign (1). Last evaluated 2025-03-04.

Conditions:
Lynch syndrome 4 (LYNCH4). Also called: Colorectal cancer, hereditary nonpolyposis, type 4; Hereditary non-polyposis colorectal cancer, type 4. Identifiers: Orphanet 144, MedGen C1838333, MONDO:0013699, OMIM 614337. Disease mechanism: loss of function.

Submissions (2):

Center for Genomic Medicine, Rigshospitalet, Copenhagen University Hospital
Classification: Likely benign. Last evaluated: 2025-03-04. Review status: criteria provided, single submitter. Criteria: ACMG Guidelines, 2015. Collection method: clinical testing. Allele origin: germline.

Myriad Genetics, Inc.
Classification: Benign for Lynch syndrome 4. Last evaluated: 2025-02-04. Review status: criteria provided, single submitter. Criteria: Myriad Autosomal Dominant, Autosomal Recessive and X-Linked Classification Criteria (2023). Collection method: clinical testing. Allele origin: unknown.
Comment: This variant is considered benign. This variant occurs in the non-coding 3' untranslated region of the gene, and is not expected to impact protein function.